The following is an entry in ClinVar:

NM_001127198.5(TMC6):c.1147G>A (p.Val383Ile)

Gene: TMC6 (transmembrane channel like 6; minus strand). Cytogenetic location: 17q25.3.
Variant type: single nucleotide variant.
Coding change: c.1147G>A on transcript NM_001127198.5 (MANE Select); coding-DNA position 1147, G replaced by A.
Protein change: p.Val383Ile; replaces valine 383 with isoleucine.
Molecular consequence: missense variant. On other transcripts: non-coding transcript variant (4).
Genome position (GRCh38, 1-based): chr17:78,122,685, C>T on the plus strand (G>A on the coding strand, the complement: TMC6 is on the minus strand). VCF-style: chr17-78122685-C-T. GRCh37 (hg19) VCF-style: chr17-76118766-C-T.
Other names: c.1147G>A, p.Val383Ile (NM_001321185.1, NM_001374593.1, NM_001374594.1 and 4 more transcripts); c.1147G>A (NM_007267.6); short protein forms V383I.
Identifiers: ClinVar variation 639661 (VCV000639661.8), dbSNP rs375277020, ClinGen allele CA8795855.
Genomic context (GRCh38, chr17:78,122,685, plus strand): 5'-TGTCCTGCTGGAGGCGGGAGGCCCGCTTCTGCGTCACCTTGTAGTCCCAGGAGCAGAAGA[C>T]GGTGATGGCGTGGATGCCAGAGGTGCTGCCCACCCGGTAGCTCTCCCCGAAAGAGTGAGC-3'
Protein context (NP_001120670.1, residues 373-393): GSTSGIHAIT[Val383Ile]FCSWDYKVTQ

ClinVar aggregate classification (germline): Uncertain significance. Review status: criteria provided, multiple submitters, no conflicts (2 of 4 stars). 2 submissions from 2 submitters: Uncertain significance (2). Last evaluated 2022-07-14.

Conditions:
Epidermodysplasia verruciformis. Identifiers: Orphanet 302, MedGen C0014522, MONDO:0009176.
Inborn genetic diseases. Identifiers: MedGen C0950123, MeSH D030342.

Allele frequency attached by ClinVar (database versions not stated): gnomAD 0.00009; 1000 Genomes Project 0.00020; TOPMed 0.00008; 1000 Genomes Project 30x 0.00016.

Submissions (2):

Ambry Genetics
Classification: Uncertain significance for Inborn genetic diseases. Last evaluated: 2022-07-14. Review status: criteria provided, single submitter. Criteria: Ambry Variant Classification Scheme 2023. Collection method: clinical testing. Allele origin: germline.

Labcorp Genetics (formerly Invitae), Labcorp
Classification: Uncertain significance for Epidermodysplasia verruciformis. Last evaluated: 2022-03-18. Review status: criteria provided, single submitter. Criteria: Invitae Variant Classification Sherloc (09022015). Collection method: clinical testing. Allele origin: germline.
Comment: This sequence change replaces valine, which is neutral and non-polar, with isoleucine, which is neutral and non-polar, at codon 383 of the TMC6 protein (p.Val383Ile). This variant is present in population databases (rs375277020, gnomAD 0.2%). This variant has not been reported in the literature in individuals affected with TMC6-related conditions. ClinVar contains an entry for this variant (Variation ID: 639661). Algorithms developed to predict the effect of missense changes on protein structure and function are either unavailable or do not agree on the potential impact of this missense change (SIFT: "Not Available"; PolyPhen-2: "Benign"; Align-GVGD: "Not Available"). In summary, the available evidence is currently insufficient to determine the role of this variant in disease. Therefore, it has been classified as a Variant of Uncertain Significance.